The following is an entry in ClinVar:

ClinVar aggregate classification (germline): Uncertain significance (1 of 4 stars; one submission).

Conditions:
Multiple endocrine neoplasia, type 1 (MEN1). Also called: MEN I; WERMER SYNDROME; Endocrine adenomatosis multiple; MEN 1; MEA I. Identifiers: Orphanet 652, MedGen C0025267, MeSH D018761, MONDO:0007540, OMIM 131100.

Submission:

Labcorp Genetics (formerly Invitae), Labcorp
Classification: Uncertain significance for Multiple endocrine neoplasia, type 1. Last evaluated: 2023-05-28. Review status: criteria provided, single submitter. Criteria: Invitae Variant Classification Sherloc (09022015). Collection method: clinical testing. Allele origin: germline.
Comment: In summary, the available evidence is currently insufficient to determine the role of this variant in disease. Therefore, it has been classified as a Variant of Uncertain Significance. This sequence change falls in intron 4 of the MEN1 gene. It does not directly change the encoded amino acid sequence of the MEN1 protein. It affects a nucleotide within the consensus splice site. This variant is not present in population databases (gnomAD no frequency). This variant has not been reported in the literature in individuals affected with MEN1-related conditions. Variants that disrupt the consensus splice site are a relatively common cause of aberrant splicing (PMID: 17576681, 9536098). Algorithms developed to predict the effect of sequence changes on RNA splicing suggest that this variant is not likely to affect RNA splicing.

Literature cited by the submitters: PubMed 17576681; PubMed 9536098.

NM_001370259.2(MEN1):c.783+6G>C

Gene: MEN1 (menin 1; minus strand). Cytogenetic location: 11q13.1.
Variant type: single nucleotide variant.
Coding change: c.783+6G>C on transcript NM_001370259.2 (MANE Select); 6 bases into the intron after coding-DNA position 783, G replaced by C.
Molecular consequence: intron variant.
Genome position (GRCh38, 1-based): chr11:64,807,546, C>G on the plus strand (G>C on the coding strand, the complement: MEN1 is on the minus strand). VCF-style: chr11-64807546-C-G. GRCh37 (hg19) VCF-style: chr11-64575018-C-G.
Other names: c.798+6G>C (NM_130804.3, NM_130803.3, NM_000244.4 and 5 more transcripts); c.678+6G>C (NM_001407148.1, NM_001407149.1, NM_001407151.1 and 2 more transcripts); c.783+6G>C (NM_130799.3, NM_001407144.1, NM_001370260.2 and 7 more transcripts).
Identifiers: ClinVar variation 2744326 (VCV002744326.3), dbSNP rs2497202744, ClinGen allele CA2697548620.